The following is an entry in ClinVar:

ClinVar aggregate classification (germline): Uncertain significance (1 of 4 stars; one submission).

Conditions:
Inborn genetic diseases. Identifiers: MedGen C0950123, MeSH D030342.

gnomAD v4.1: 2 of 1,613,758 alleles (0.00012%); highest among the groups gnomAD compares: East Asian, 0.0022%; no homozygotes.

Submission:

Ambry Genetics
Classification: Uncertain significance for Inborn genetic diseases. Last evaluated: 2025-03-22. Review status: criteria provided, single submitter. Criteria: Ambry Variant Classification Scheme 2023. Collection method: clinical testing. Allele origin: germline.
Comment: The p.R1077W variant (also known as c.3229C>T), located in coding exon 1 of the SAMD9 gene, results from a C to T substitution at nucleotide position 3229. The arginine at codon 1077 is replaced by tryptophan, an amino acid with dissimilar properties. This amino acid position is conserved. In addition, this alteration is predicted to be tolerated by in silico analysis. Based on the available evidence, the clinical significance of this variant remains unclear.

NM_017654.4(SAMD9):c.3229C>T (p.Arg1077Trp)

Gene: SAMD9 (sterile alpha motif domain containing 9; minus strand). Cytogenetic location: 7q21.2.
Variant type: single nucleotide variant.
Coding change: c.3229C>T on transcript NM_017654.4 (MANE Select); coding-DNA position 3229, C replaced by T.
Protein change: p.Arg1077Trp; replaces arginine 1077 with tryptophan.
Molecular consequence: missense variant.
Genome position (GRCh38, 1-based): chr7:93,102,869, G>A on the plus strand (C>T on the coding strand, the complement: SAMD9 is on the minus strand). VCF-style: chr7-93102869-G-A. GRCh37 (hg19) VCF-style: chr7-92732182-G-A.
Other names: c.3229C>T, p.Arg1077Trp (NM_001193307.2); short protein forms R1077W.
Identifiers: ClinVar variation 3949468 (VCV003949468.1).